The following is an entry in ClinVar:

NM_014956.5(CEP164):c.418G>A (p.Val140Ile)

Gene: CEP164 (centrosomal protein 164; plus strand). Cytogenetic location: 11q23.3.
Variant type: single nucleotide variant.
Coding change: c.418G>A on transcript NM_014956.5 (MANE Select); coding-DNA position 418, G replaced by A.
Protein change: p.Val140Ile; replaces valine 140 with isoleucine.
Molecular consequence: missense variant.
Genome position (GRCh38, 1-based): chr11:117,361,859, G>A. VCF-style: chr11-117361859-G-A. GRCh37 (hg19) VCF-style: chr11-117232575-G-A.
Other names: c.418G>A, p.Val140Ile (NM_001271933.2); short protein forms V140I.
Identifiers: ClinVar variation 1525672 (VCV001525672.5), dbSNP rs778310001, ClinGen allele CA6294476.
Genomic context (GRCh38, chr11:117,361,859, plus strand): 5'-TTCTTGAGTTGTAACAAGATGTTTTCTGTTGCACAGGCCTTGGGTTCCTCATTAGCCCCA[G>A]TTCATGTTCCTCTTGGGGGCCTGGCTCCTTTACGAGGTCTTGTGGATACCCCACCCTCTG-3'
Protein context (NP_055771.4, residues 130-150): SLALGSSLAP[Val140Ile]HVPLGGLAPL

ClinVar aggregate classification (germline): Uncertain significance (1 of 4 stars; one submission).

Conditions:
Nephronophthisis 15 (NPHP15). Identifiers: Orphanet 3156, MedGen C3541853, MONDO:0013917, OMIM 614845.

Allele frequency attached by ClinVar (database versions not stated): ExAC 0.00001; gnomAD 0.00001; TOPMed 0.00001; gnomAD exomes 0.00002.

Submission:

Labcorp Genetics (formerly Invitae), Labcorp
Classification: Uncertain significance for Nephronophthisis 15. Last evaluated: 2022-06-27. Review status: criteria provided, single submitter. Criteria: Invitae Variant Classification Sherloc (09022015). Collection method: clinical testing. Allele origin: germline.
Comment: This sequence change replaces valine, which is neutral and non-polar, with isoleucine, which is neutral and non-polar, at codon 140 of the CEP164 protein (p.Val140Ile). This variant is present in population databases (rs778310001, gnomAD 0.004%). This variant has not been reported in the literature in individuals affected with CEP164-related conditions. Algorithms developed to predict the effect of missense changes on protein structure and function output the following: SIFT: "Tolerated"; PolyPhen-2: "Benign"; Align-GVGD: "Class C0". The isoleucine amino acid residue is found in multiple mammalian species, which suggests that this missense change does not adversely affect protein function. In summary, the available evidence is currently insufficient to determine the role of this variant in disease. Therefore, it has been classified as a Variant of Uncertain Significance.